The following is an entry in ClinVar:

NM_001018005.2(TPM1):c.474C>T (p.Ala158=)

Gene: TPM1 (tropomyosin 1; plus strand). Cytogenetic location: 15q22.2.
Variant type: single nucleotide variant.
Coding change: c.474C>T on transcript NM_001018005.2 (MANE Select); coding-DNA position 474, C replaced by T.
Protein change: p.Ala158=; no amino-acid change (alanine 158 retained).
Molecular consequence: synonymous variant.
Genome position (GRCh38, 1-based): chr15:63,059,662, C>T. VCF-style: chr15-63059662-C-T. GRCh37 (hg19) VCF-style: chr15-63351861-C-T.
Other names: c.474C>T, p.Ala158= (NM_000366.6, NM_001018004.2, NM_001018006.2 and 6 more transcripts); c.366C>T, p.Ala122= (NM_001018008.2, NM_001301289.2, NM_001330344.2 and 5 more transcripts); c.600C>T, p.Ala200= (NM_001365778.1); c.474C>T (NM_001018020.1).
Identifiers: ClinVar variation 702389 (VCV000702389.21), dbSNP rs143922069, ClinGen allele CA029546.
Genomic context (GRCh38, chr15:63,059,662, plus strand): 5'-AGAAAAAATGGAAATTCAGGAGATCCAACTGAAAGAGGCCAAGCACATTGCTGAAGATGC[C>T]GACCGCAAATATGAAGAGGTCAGATCCTGGGGCCCAAAGCCTTGTGGACACCCAGCAGTG-3'
Protein context (NP_001018005.1, residues 148-168): LKEAKHIAED[Ala158=]DRKYEEVARK

ClinVar aggregate classification (germline): Conflicting classifications of pathogenicity. Review status: criteria provided, conflicting classifications (1 of 4 stars). 8 submissions from 7 submitters: Uncertain significance (2); Likely benign (6). Last evaluated 2026-01-04.

Conditions:
TPM1-related disorder. Also called: TPM1-related condition.
Cardiovascular phenotype. Identifiers: MedGen CN230736.
Hypertrophic cardiomyopathy 3. Also called: TPM1-Related Familial Hypertrophic Cardiomyopathy. Identifiers: MedGen C1861863, MONDO:0007267, OMIM 115196.
Dilated cardiomyopathy 1Y (CMD1Y). Identifiers: Orphanet 154, Orphanet 54260, MedGen C2678476, MONDO:0012744, OMIM 611878.
Hypertrophic cardiomyopathy. Also called: HYPERTROPHIC MYOCARDIOPATHY. Identifiers: Orphanet 217569, MedGen C0007194, MeSH D002312, MONDO:0005045, HP:0001639.
Cardiomyopathy (CMYO). Also called: Cardiomyopathies. Identifiers: Orphanet 167848, MedGen C0878544, MONDO:0004994, HP:0001638. Inheritance: Various modes of inheritance.

Allele frequency attached by ClinVar (database versions not stated): ExAC 0.00003; gnomAD 0.00003; TOPMed 0.00005; ESP Exome Variant Server 0.00023.

Submissions (8):

PreventionGenetics, part of Exact Sciences
Classification: Likely benign for TPM1-related condition. Last evaluated: 2026-01-04. Review status: criteria provided, single submitter. Criteria: ACMG Guidelines, 2015. Collection method: clinical testing. Allele origin: germline.
Comment: This variant is classified as likely benign based on ACMG/AMP sequence variant interpretation guidelines (Richards et al. 2015 PMID: 25741868, with internal and published modifications).

Labcorp Genetics (formerly Invitae), Labcorp
Classification: Likely benign for Hypertrophic cardiomyopathy. Last evaluated: 2025-12-15. Review status: criteria provided, single submitter. Criteria: Invitae Variant Classification Sherloc (09022015). Collection method: clinical testing. Allele origin: germline.

Women's Health and Genetics/Laboratory Corporation of America, LabCorp
Classification: Likely benign. Last evaluated: 2024-12-20. Review status: criteria provided, single submitter. Criteria: LabCorp Variant Classification Summary - May 2015. Collection method: clinical testing. Allele origin: germline.

All of Us Research Program, National Institutes of Health
Classification: Likely benign for Hypertrophic cardiomyopathy. Last evaluated: 2024-02-05. Review status: criteria provided, single submitter. Criteria: ACMG Guidelines, 2015. Collection method: clinical testing. Allele origin: germline. Inheritance: Autosomal dominant inheritance. Observed: 4 variant alleles, 4 heterozygotes.
Comment: This study involves interpretation of variants in research participants for the purpose of population health screening. Participant phenotype was not available at the time of variant classification. Additional details can be found in publication PMID: 35346344, PMCID: PMC8962531

Ambry Genetics
Classification: Likely benign for Cardiovascular phenotype. Last evaluated: 2022-03-04. Review status: criteria provided, single submitter. Criteria: Ambry Variant Classification Scheme 2023. Collection method: clinical testing. Allele origin: germline.

Color Diagnostics, LLC DBA Color Health
Classification: Likely benign for Cardiomyopathy. Last evaluated: 2021-02-16. Review status: criteria provided, single submitter. Criteria: ACMG Guidelines, 2015. Collection method: clinical testing. Allele origin: germline.

Illumina Laboratory Services, Illumina
Classification: Uncertain significance for Hypertrophic cardiomyopathy 3. Last evaluated: 2018-01-13. Review status: criteria provided, single submitter. Criteria: ICSL Variant Classification Criteria 13 December 2019. Collection method: clinical testing. Allele origin: germline.

Illumina Laboratory Services, Illumina
Classification: Uncertain significance for Dilated cardiomyopathy 1Y. Last evaluated: 2018-01-13. Review status: criteria provided, single submitter. Criteria: ICSL Variant Classification Criteria 13 December 2019. Collection method: clinical testing. Allele origin: germline.